The following is an entry in ClinVar:

ClinVar aggregate classification (germline): Pathogenic (1 of 4 stars; one submission).

Submission:

Labcorp Genetics (formerly Invitae), Labcorp
Classification: Pathogenic. Last evaluated: 2023-08-20. Review status: criteria provided, single submitter. Criteria: Invitae Variant Classification Sherloc (09022015). Collection method: clinical testing. Allele origin: germline.
Comment: This sequence change creates a premature translational stop signal (p.Val2172Cysfs*81) in the MYO15A gene. It is expected to result in an absent or disrupted protein product. Loss-of-function variants in MYO15A are known to be pathogenic (PMID: 17546645). This variant is not present in population databases (gnomAD no frequency). This variant has not been reported in the literature in individuals affected with MYO15A-related conditions. For these reasons, this variant has been classified as Pathogenic.

Literature cited by the submitters: PubMed 17546645.

NM_016239.4(MYO15A):c.6514del (p.Val2172fs)

Gene: MYO15A (myosin XVA; plus strand). Cytogenetic location: 17p11.2.
Variant type: Deletion.
Coding change: c.6514del on transcript NM_016239.4 (MANE Select); coding-DNA position 6514, one base deleted (G; older notation c.6514delG).
Protein change: p.Val2172fs; shifts the reading frame from valine 2172.
Molecular consequence: frameshift variant.
Genome position (GRCh38, 1-based): chr17:18,148,033, G deleted. VCF-style (leftmost placement, unchanged base first): chr17-18148032-TG-T. GRCh37 (hg19) VCF-style: chr17-18051346-TG-T.
Other names: short protein forms V2172fs.
Identifiers: ClinVar variation 2754174 (VCV002754174.3), dbSNP rs2545275989, ClinGen allele CA2697559484.